The following is an entry in ClinVar:

NM_001013838.3(CARMIL2):c.1357G>A (p.Ala453Thr)

Gene: CARMIL2 (capping protein regulator and myosin 1 linker 2; plus strand). Cytogenetic location: 16q22.1.
Variant type: single nucleotide variant.
Coding change: c.1357G>A on transcript NM_001013838.3 (MANE Select); coding-DNA position 1357, G replaced by A.
Protein change: p.Ala453Thr; replaces alanine 453 with threonine.
Molecular consequence: missense variant.
Genome position (GRCh38, 1-based): chr16:67,648,420, G>A. VCF-style: chr16-67648420-G-A. GRCh37 (hg19) VCF-style: chr16-67682323-G-A.
Other names: c.1249G>A, p.Ala417Thr (NM_001317026.3); short protein forms A453T, A417T.
Identifiers: ClinVar variation 1936996 (VCV001936996.2), dbSNP rs766801229, ClinGen allele CA8113418.
Genomic context (GRCh38, chr16:67,648,420, plus strand): 5'-TCCTTGCGGCCCCAGGCCCACCTTCCCACTTCCCCCAGGAAGTCCCGCGCCGCGCCGGCC[G>A]CGCTGCAGCTCTTCCTCAGCCGCGCGCGGACGCTGCGGCACCTGGGCCTGGCGGGCTGCA-3'
Protein context (NP_001013860.1, residues 443-463): SRTKSRAAPA[Ala453Thr]LQLFLSRART

ClinVar aggregate classification (germline): Uncertain significance (1 of 4 stars; one submission).

Allele frequency attached by ClinVar (database versions not stated): TOPMed 0.00003; gnomAD exomes 0.00009; 1000 Genomes Project 30x 0.00016; ExAC 0.00096.
gnomAD v4.1: 128 of 1,518,762 alleles (0.0084%); highest among the groups gnomAD compares: South Asian, 0.14%; 1 homozygote.

Submission:

Labcorp Genetics (formerly Invitae), Labcorp
Classification: Uncertain significance. Last evaluated: 2022-09-01. Review status: criteria provided, single submitter. Criteria: Invitae Variant Classification Sherloc (09022015). Collection method: clinical testing. Allele origin: germline.
Comment: This sequence change replaces alanine, which is neutral and non-polar, with threonine, which is neutral and polar, at codon 453 of the CARMIL2 protein (p.Ala453Thr). This variant is present in population databases (rs766801229, gnomAD 0.1%). This variant has not been reported in the literature in individuals affected with CARMIL2-related conditions. Algorithms developed to predict the effect of missense changes on protein structure and function output the following: SIFT: "Tolerated"; PolyPhen-2: "Benign"; Align-GVGD: "Class C0". The threonine amino acid residue is found in multiple mammalian species, which suggests that this missense change does not adversely affect protein function. In summary, the available evidence is currently insufficient to determine the role of this variant in disease. Therefore, it has been classified as a Variant of Uncertain Significance.